The following is an entry in ClinVar:

ClinVar aggregate classification (germline): Likely benign. Review status: criteria provided, multiple submitters, no conflicts (2 of 4 stars). 2 submissions from 2 submitters: Likely benign (2). Last evaluated 2026-02-01.

Allele frequency attached by ClinVar (database versions not stated): gnomAD 0.00005; TOPMed 0.00005; gnomAD exomes 0.00006; ExAC 0.00008; 1000 Genomes Project 30x 0.00016; 1000 Genomes Project 0.00020.
gnomAD v4.1: 108 of 1,614,080 alleles (0.0067%); highest among the groups gnomAD compares: Middle Eastern, 0.066%; no homozygotes.

Submissions (2):

CeGaT Center for Human Genetics Tuebingen
Classification: Likely benign. Last evaluated: 2026-02-01. Review status: criteria provided, single submitter. Criteria: CeGaT Center For Human Genetics Tuebingen Variant Classification Criteria Version 2. Collection method: clinical testing. Allele origin: germline. Affected: yes. Observed: 2 variant alleles.
Comment: NSD2: BP4, BP7

Labcorp Genetics (formerly Invitae), Labcorp
Classification: Likely benign. Last evaluated: 2025-12-28. Review status: criteria provided, single submitter. Criteria: Invitae Variant Classification Sherloc (09022015). Collection method: clinical testing. Allele origin: germline.

NM_001042424.3(NSD2):c.3141C>T (p.Pro1047=)

Gene: NSD2 (nuclear receptor binding SET domain protein 2; plus strand). Cytogenetic location: 4p16.3.
Variant type: single nucleotide variant.
Coding change: c.3141C>T on transcript NM_001042424.3 (MANE Select); coding-DNA position 3141, C replaced by T.
Protein change: p.Pro1047=; no amino-acid change (proline 1047 retained).
Molecular consequence: synonymous variant.
Genome position (GRCh38, 1-based): chr4:1,959,626, C>T. VCF-style: chr4-1959626-C-T. GRCh37 (hg19) VCF-style: chr4-1961353-C-T.
Other names: c.3141C>T, p.Pro1047= (NM_133330.3, NM_133331.3, NM_133335.4).
Identifiers: ClinVar variation 2179474 (VCV002179474.10), dbSNP rs575615858, ClinGen allele CA2812626.
Genomic context (GRCh38, chr4:1,959,626, plus strand): 5'-CTTTGATTCGGAGTGTCTGAACAGGATGCTGATGTTTGAGTGCCACCCGCAGGTGTGTCC[C>T]GCGGGCGAGTTCTGCCAGAACCAGTGCTTCACCAAGCGCCAGTACCCAGAGACCAAGATC-3'
Protein context (NP_001035889.1, residues 1037-1057): LMFECHPQVC[Pro1047=]AGEFCQNQCF